The following is an entry in ClinVar:

ClinVar aggregate classification (germline): Uncertain significance (1 of 4 stars; one submission).

gnomAD v4.1: 1 of 1,612,030 alleles (0.000062%); highest among the groups gnomAD compares: Non-Finnish European, 0.000085%; no homozygotes.

Submission:

Women's Health and Genetics/Laboratory Corporation of America, LabCorp
Classification: Uncertain significance. Last evaluated: 2025-04-30. Review status: criteria provided, single submitter. Criteria: LabCorp Variant Classification Summary - May 2015. Collection method: clinical testing. Allele origin: germline.
Comment: Variant summary: ABCB11 c.1409G>C (p.Arg470Pro) results in a non-conservative amino acid change located in the P-loop containing nucleotide triphosphate hydrolases domain (IPR027417) of the encoded protein sequence. Four of four in-silico tools predict a damaging effect of the variant on protein function. The variant was absent in 248772 control chromosomes. The available data on variant occurrences in the general population are insufficient to allow any conclusion about variant significance. To our knowledge, no occurrence of c.1409G>C in individuals affected with Familial Intrahepatic Cholestasis and no experimental evidence demonstrating its impact on protein function have been reported. A different variant affecting the same codon has been classified as pathogenic by our lab (c.1409G>A, p.Arg470Gln), supporting the critical relevance of codon 470 to ABCB11 protein function. No submitters have cited clinical-significance assessments for this variant to ClinVar. Based on the evidence outlined above, the variant was classified as uncertain significance.

NM_003742.4(ABCB11):c.1409G>C (p.Arg470Pro)

Gene: ABCB11 (ATP binding cassette subfamily B member 11; minus strand). Cytogenetic location: 2q31.1.
Variant type: single nucleotide variant.
Coding change: c.1409G>C on transcript NM_003742.4 (MANE Select); coding-DNA position 1409, G replaced by C.
Protein change: p.Arg470Pro; replaces arginine 470 with proline.
Molecular consequence: missense variant.
Genome position (GRCh38, 1-based): chr2:168,973,740, C>G on the plus strand (G>C on the coding strand, the complement: ABCB11 is on the minus strand). VCF-style: chr2-168973740-C-G. GRCh37 (hg19) VCF-style: chr2-169830250-C-G.
Other names: short protein forms R470P.
Identifiers: ClinVar variation 3896580 (VCV003896580.2).